The following is an entry in ClinVar:

ClinVar aggregate classification (germline): Uncertain significance. Review status: criteria provided, multiple submitters, no conflicts (2 of 4 stars). 2 submissions from 2 submitters: Uncertain significance (2). Last evaluated 2025-11-25.

Conditions:
Cardiovascular phenotype. Identifiers: MedGen CN230736.
ANK2-related disorder. Also called: ANK2-related condition.

Submissions (2):

PreventionGenetics, part of Exact Sciences
Classification: Uncertain significance for ANK2-related condition. Last evaluated: 2025-11-25. Review status: criteria provided, single submitter. Criteria: ACMG Guidelines, 2015. Collection method: clinical testing. Allele origin: germline.
Comment: The ANK2 c.3481A>C variant is predicted to result in the amino acid substitution p.Ser1161Arg. To our knowledge, this variant has not been reported in the literature or in a large population database (gnomAD), indicating this variant is rare. At this time, the clinical significance of this variant is uncertain due to the absence of conclusive functional and genetic evidence.

Ambry Genetics
Classification: Uncertain significance for Cardiovascular phenotype. Last evaluated: 2025-01-01. Review status: criteria provided, single submitter. Criteria: Ambry Variant Classification Scheme 2023. Collection method: clinical testing. Allele origin: germline.

NM_001148.6(ANK2):c.3481A>C (p.Ser1161Arg)

Gene: ANK2 (ankyrin 2; plus strand). Cytogenetic location: 4q26.
Variant type: single nucleotide variant.
Coding change: c.3481A>C on transcript NM_001148.6 (MANE Select); coding-DNA position 3481, A replaced by C.
Protein change: p.Ser1161Arg; replaces serine 1161 with arginine.
Molecular consequence: missense variant.
Genome position (GRCh38, 1-based): chr4:113,335,947, A>C. VCF-style: chr4-113335947-A-C. GRCh37 (hg19) VCF-style: chr4-114257103-A-C.
Other names: c.3478A>C, p.Ser1160Arg (NM_001354235.2, NM_001354246.2, NM_001354265.2); c.3379A>C, p.Ser1127Arg (NM_001354236.2); c.3559A>C, p.Ser1187Arg (NM_001354237.2); c.3451A>C, p.Ser1151Arg (NM_001354239.2, NM_001354252.2); c.3526A>C, p.Ser1176Arg (NM_001354240.2, NM_001354241.2, NM_001386144.1); c.3523A>C, p.Ser1175Arg (NM_001354242.2, NM_001354231.2); c.3418A>C, p.Ser1140Arg (NM_001354243.2, NM_001354255.2, NM_001386143.1); c.3415A>C, p.Ser1139Arg (NM_001354244.2, NM_001354256.2, NM_001386161.1); and 30 more; short protein forms S1074R, S1090R, S1106R, S1118R, S1140R, S1152R, S1154R, S1160R.
Identifiers: ClinVar variation 3864458 (VCV003864458.2).